The following is an entry in ClinVar:

NM_152594.3(SPRED1):c.197G>A (p.Arg66Lys)

Gene: SPRED1 (sprouty related EVH1 domain containing 1; plus strand). Cytogenetic location: 15q14.
Variant type: single nucleotide variant.
Coding change: c.197G>A on transcript NM_152594.3 (MANE Select); coding-DNA position 197, G replaced by A.
Protein change: p.Arg66Lys; replaces arginine 66 with lysine.
Molecular consequence: missense variant.
Genome position (GRCh38, 1-based): chr15:38,299,537, G>A. VCF-style: chr15-38299537-G-A. GRCh37 (hg19) VCF-style: chr15-38591738-G-A.
Other names: short protein forms R66K.
Identifiers: ClinVar variation 3800914 (VCV003800914.2).

ClinVar aggregate classification (germline): Uncertain significance. Review status: criteria provided, multiple submitters, no conflicts (2 of 4 stars). 2 submissions from 2 submitters: Uncertain significance (2). Last evaluated 2025-05-13.

Conditions:
Legius syndrome. Identifiers: Orphanet 137605, MedGen C1969623, MONDO:0012669, OMIM 611431. Disease mechanism: loss of function.
Cardiovascular phenotype. Identifiers: MedGen CN230736.

gnomAD v4.1: 1 of 1,613,742 alleles (0.000062%); highest among the groups gnomAD compares: Non-Finnish European, 0.000085%; no homozygotes.

Submissions (2):

Labcorp Genetics (formerly Invitae), Labcorp
Classification: Uncertain significance for Legius syndrome. Last evaluated: 2025-05-13. Review status: criteria provided, single submitter. Criteria: Invitae Variant Classification Sherloc (09022015). Collection method: clinical testing. Allele origin: germline.
Comment: This sequence change replaces arginine, which is basic and polar, with lysine, which is basic and polar, at codon 66 of the SPRED1 protein (p.Arg66Lys). This variant is not present in population databases (gnomAD no frequency). This variant has not been reported in the literature in individuals affected with SPRED1-related conditions. Invitae Evidence Modeling of protein sequence and biophysical properties (such as structural, functional, and spatial information, amino acid conservation, physicochemical variation, residue mobility, and thermodynamic stability) indicates that this missense variant is not expected to disrupt SPRED1 protein function with a negative predictive value of 80%. In summary, the available evidence is currently insufficient to determine the role of this variant in disease. Therefore, it has been classified as a Variant of Uncertain Significance.

Ambry Genetics
Classification: Uncertain significance for Cardiovascular phenotype. Last evaluated: 2025-02-01. Review status: criteria provided, single submitter. Criteria: Ambry Variant Classification Scheme 2023. Collection method: clinical testing. Allele origin: germline.
Comment: The p.R66K variant (also known as c.197G>A), located in coding exon 2 of the SPRED1 gene, results from a G to A substitution at nucleotide position 197. The arginine at codon 66 is replaced by lysine, an amino acid with highly similar properties. This amino acid position is conserved. In addition, this alteration is predicted to be tolerated by in silico analysis. Based on the available evidence, the clinical significance of this variant remains unclear.